The following is an entry in ClinVar:

ClinVar aggregate classification (germline): Uncertain significance (1 of 4 stars; one submission).

gnomAD v4.1: 12 of 1,614,018 alleles (0.00074%); highest among the groups gnomAD compares: East Asian, 0.0045%; no homozygotes.

Submission:

Dasa
Classification: Uncertain significance. Last evaluated: 2025-11-03. Review status: criteria provided, single submitter. Criteria: DASA Assertion Criteria. Collection method: clinical testing. Allele origin: germline.
Comment: NM_013275.6(ANKRD11):c.3476A>G (p.Tyr1159Cys) is a missense variant that results in the substitution of tyrosine with cysteine. This variant is rare in population databases. Computational prediction algorithms are consistent with a benign effect. The currently available literature and clinical evidence are not sufficient to establish a definitive association between this variant and the reported condition. Therefore, this variant is classified as a variant of uncertain significance.

NM_013275.6(ANKRD11):c.3476A>G (p.Tyr1159Cys)

Gene: ANKRD11 (ankyrin repeat domain 11; minus strand). Cytogenetic location: 16q24.3.
Variant type: single nucleotide variant.
Coding change: c.3476A>G on transcript NM_013275.6 (MANE Select); coding-DNA position 3476, A replaced by G.
Protein change: p.Tyr1159Cys; replaces tyrosine 1159 with cysteine.
Molecular consequence: missense variant.
Genome position (GRCh38, 1-based): chr16:89,283,066, T>C on the plus strand (A>G on the coding strand, the complement: ANKRD11 is on the minus strand). VCF-style: chr16-89283066-T-C. GRCh37 (hg19) VCF-style: chr16-89349474-T-C.
Other names: c.3476A>G, p.Tyr1159Cys (NM_001256182.2, NM_001256183.2); short protein forms Y1159C.
Identifiers: ClinVar variation 4883244 (VCV004883244.2).